The following is an entry in ClinVar:

ClinVar aggregate classification (germline): Uncertain significance (1 of 4 stars; one submission).

Conditions:
Vici syndrome (VICIS). Identifiers: Orphanet 1493, MedGen C1855772, MONDO:0009452, OMIM 242840.

Allele frequency attached by ClinVar (database versions not stated): gnomAD exomes below 0.00001.
gnomAD v4.1: 2 of 1,613,390 alleles (0.00012%); highest among the groups gnomAD compares: South Asian, 0.0011%; no homozygotes.

Submission:

Labcorp Genetics (formerly Invitae), Labcorp
Classification: Uncertain significance for Vici syndrome. Last evaluated: 2022-12-06. Review status: criteria provided, single submitter. Criteria: Invitae Variant Classification Sherloc (09022015). Collection method: clinical testing. Allele origin: germline.
Comment: This sequence change replaces proline, which is neutral and non-polar, with arginine, which is basic and polar, at codon 2140 of the EPG5 protein (p.Pro2140Arg). In summary, the available evidence is currently insufficient to determine the role of this variant in disease. Therefore, it has been classified as a Variant of Uncertain Significance. Advanced modeling of protein sequence and biophysical properties (such as structural, functional, and spatial information, amino acid conservation, physicochemical variation, residue mobility, and thermodynamic stability) performed at Invitae indicates that this missense variant is not expected to disrupt EPG5 protein function. This variant has not been reported in the literature in individuals affected with EPG5-related conditions. This variant is not present in population databases (gnomAD no frequency).

NM_020964.3(EPG5):c.6419C>G (p.Pro2140Arg)

Gene: EPG5 (ectopic P-granules 5 autophagy tethering factor; minus strand). Cytogenetic location: 18q12.3.
Variant type: single nucleotide variant.
Coding change: c.6419C>G on transcript NM_020964.3 (MANE Select); coding-DNA position 6419, C replaced by G.
Protein change: p.Pro2140Arg; replaces proline 2140 with arginine.
Molecular consequence: missense variant.
Genome position (GRCh38, 1-based): chr18:45,867,000, G>C on the plus strand (C>G on the coding strand, the complement: EPG5 is on the minus strand). VCF-style: chr18-45867000-G-C. GRCh37 (hg19) VCF-style: chr18-43446965-G-C.
Other names: c.6419C>G, p.Pro2140Arg (NM_001410858.1); c.6416C>G, p.Pro2139Arg (NM_001410859.1); short protein forms P2139R, P2140R.
Identifiers: ClinVar variation 2088658 (VCV002088658.4), dbSNP rs1037411579, ClinGen allele CA402339414.
Genomic context (GRCh38, chr18:45,867,000, plus strand): 5'-GACACAATATCCACAAGATGCCATGAAAGTGAGCTTGTCTGTCCAAGGAGACTAAGTAAA[G>C]GTGAATCCTAAAAATAAAACACATATTCCTTTAGTTCCAGAGCCCCAATTTTTCCAGAAA-3'
Protein context (NP_066015.2, residues 2130-2150): EVQLVDQTDS[Pro2140Arg]LLSLLGQTSS